The following is an entry in ClinVar:

ClinVar aggregate classification (germline): Uncertain significance (1 of 4 stars; one submission).

Submission:

Labcorp Genetics (formerly Invitae), Labcorp
Classification: Uncertain significance. Last evaluated: 2021-12-15. Review status: criteria provided, single submitter. Criteria: Invitae Variant Classification Sherloc (09022015). Collection method: clinical testing. Allele origin: germline.
Comment: In summary, the available evidence is currently insufficient to determine the role of this variant in disease. Therefore, it has been classified as a Variant of Uncertain Significance. Experimental studies and prediction algorithms are not available or were not evaluated, and the functional significance of this variant is currently unknown. This variant has not been reported in the literature in individuals affected with LPIN1-related conditions. This variant is a gross deletion of the genomic region encompassing exon(s) 8-9 of the LPIN1 gene. This variant would be expected to be in-frame, preserving the integrity of the reading frame.

NC_000002.11:g.(?_11923935)_(11925222_?)del

Gene: LPIN1 (lipin 1; plus strand). Cytogenetic location: 2p25.1.
Variant type: Deletion.
Identifiers: ClinVar variation 2427338 (VCV002427338.4).